The following is an entry in ClinVar:

NM_001267550.2(TTN):c.91+47_91+51del

Gene: TTN (titin; minus strand). Cytogenetic location: 2q31.2.
Variant type: Deletion.
Coding change: c.91+47_91+51del on transcript NM_001267550.2 (MANE Select); bases 47 to 51 of the intron after coding-DNA position 91, 5 bases deleted (CTCCA; older notation c.91+47_91+51delCTCCA).
Molecular consequence: intron variant.
Genome position (GRCh38, 1-based): chr2:178,804,501-178,804,505, TGGAG deleted on the plus strand (CTCCA on the coding strand, the reverse complement: TTN is on the minus strand). VCF-style (leftmost placement, unchanged base first): chr2-178804500-CTGGAG-C. GRCh37 (hg19) VCF-style: chr2-179669227-CTGGAG-C.
Other names: c.91+47_91+51del (NM_003319.4, NM_133437.4, NM_133432.3 and 3 more transcripts); c.91+47_91+51delCTCCA (NM_001256850.1).
Identifiers: ClinVar variation 674069 (VCV000674069.1), dbSNP rs3830329, ClinGen allele CA60989993.
Genomic context (GRCh38, chr2:178,804,500, plus strand): 5'-TTTTCCGAAGTGAAAGCAGGGCTTAAACTTGGCGTCAAGTCCTGCAGCAACGTTAACTTA[CTGGAG>C]AGGAGGCAAAGGAAAAAAAAACAAAAGTGTGAATGTGTGAGCTTACCACTAATGTGAGCC-3'

ClinVar aggregate classification (germline): Benign (1 of 4 stars; one submission).

Allele frequency attached by ClinVar (database versions not stated): gnomAD exomes 0.01762; ESP Exome Variant Server 0.03195; gnomAD 0.03559 and 0.03686; TOPMed 0.04196; 1000 Genomes Project 30x 0.06262; 1000 Genomes Project 0.06290.

Submission:

GeneDx
Classification: Benign. Last evaluated: 2018-06-14. Review status: criteria provided, single submitter. Criteria: GeneDx Variant Classification (06012015). Collection method: clinical testing. Allele origin: germline. Affected: yes.
Comment: This variant is considered likely benign or benign based on one or more of the following criteria: it is a conservative change, it occurs at a poorly conserved position in the protein, it is predicted to be benign by multiple in silico algorithms, and/or has population frequency not consistent with disease.